The following is an entry in ClinVar:

ClinVar aggregate classification (germline): Uncertain significance (1 of 4 stars; one submission).

Submission:

GeneDx
Classification: Uncertain significance. Last evaluated: 2024-04-29. Review status: criteria provided, single submitter. Criteria: GeneDx Variant Classification Process June 2021. Collection method: clinical testing. Allele origin: germline. Affected: yes.
Comment: Not observed at significant frequency in large population cohorts (gnomAD); In silico analysis supports that this missense variant has a deleterious effect on protein structure/function; Has not been previously published as pathogenic or benign to our knowledge

NM_018896.5(CACNA1G):c.733G>A (p.Glu245Lys)

Gene: CACNA1G (calcium voltage-gated channel subunit alpha1 G; plus strand). Cytogenetic location: 17q21.33.
Variant type: single nucleotide variant.
Coding change: c.733G>A on transcript NM_018896.5 (MANE Select); coding-DNA position 733, G replaced by A.
Protein change: p.Glu245Lys; replaces glutamic acid 245 with lysine.
Molecular consequence: missense variant. On other transcripts: non-coding transcript variant (5).
Genome position (GRCh38, 1-based): chr17:50,572,024, G>A. VCF-style: chr17-50572024-G-A. GRCh37 (hg19) VCF-style: chr17-48649385-G-A.
Other names: c.733G>A, p.Glu245Lys (NM_001256324.2, NM_001256325.2, NM_001256326.2 and 24 more transcripts); short protein forms E245K.
Identifiers: ClinVar variation 3375800 (VCV003375800.1).